The following is an entry in ClinVar:

ClinVar aggregate classification (germline): Uncertain significance (1 of 4 stars; one submission).

Conditions:
Chédiak-Higashi syndrome (CHS). Also called: Chediak-Higashi Syndrome. Identifiers: Orphanet 167, MedGen C0007965, MONDO:0008963, OMIM 214500.

Allele frequency attached by ClinVar (database versions not stated): gnomAD 0.00001; TOPMed 0.00001.
gnomAD v4.1: 1 of 1,613,808 alleles (0.000062%); highest among the groups gnomAD compares: Non-Finnish European, 0.000085%; no homozygotes.

Submission:

Labcorp Genetics (formerly Invitae), Labcorp
Classification: Uncertain significance for Chédiak-Higashi syndrome. Last evaluated: 2022-04-01. Review status: criteria provided, single submitter. Criteria: Invitae Variant Classification Sherloc (09022015). Collection method: clinical testing. Allele origin: germline.
Comment: This sequence change replaces isoleucine, which is neutral and non-polar, with valine, which is neutral and non-polar, at codon 709 of the LYST protein (p.Ile709Val). This variant is not present in population databases (gnomAD no frequency). This variant has not been reported in the literature in individuals affected with LYST-related conditions. Algorithms developed to predict the effect of missense changes on protein structure and function output the following: SIFT: "Tolerated"; PolyPhen-2: "Benign"; Align-GVGD: "Class C0". The valine amino acid residue is found in multiple mammalian species, which suggests that this missense change does not adversely affect protein function. In summary, the available evidence is currently insufficient to determine the role of this variant in disease. Therefore, it has been classified as a Variant of Uncertain Significance.

NM_000081.4(LYST):c.2125A>G (p.Ile709Val)

Gene: LYST (lysosomal trafficking regulator; minus strand). Cytogenetic location: 1q42.3.
Variant type: single nucleotide variant.
Coding change: c.2125A>G on transcript NM_000081.4 (MANE Select); coding-DNA position 2125, A replaced by G.
Protein change: p.Ile709Val; replaces isoleucine 709 with valine.
Molecular consequence: missense variant.
Genome position (GRCh38, 1-based): chr1:235,808,693, T>C on the plus strand (A>G on the coding strand, the complement: LYST is on the minus strand). VCF-style: chr1-235808693-T-C. GRCh37 (hg19) VCF-style: chr1-235971993-T-C.
Other names: c.2125A>G, p.Ile709Val (NM_001301365.1); short protein forms I709V.
Identifiers: ClinVar variation 2120539 (VCV002120539.4), dbSNP rs1673131799, ClinGen allele CA344959082.